The following is an entry in ClinVar:

NM_001374736.1(DST):c.12732T>C (p.Asn4244=)

Gene: DST (dystonin; minus strand). Cytogenetic location: 6p12.1.
Variant type: single nucleotide variant.
Coding change: c.12732T>C on transcript NM_001374736.1 (MANE Select); coding-DNA position 12732, T replaced by C.
Protein change: p.Asn4244=; no amino-acid change (asparagine 4244 retained).
Molecular consequence: synonymous variant.
Genome position (GRCh38, 1-based): chr6:56,592,353, A>G on the plus strand (T>C on the coding strand, the complement: DST is on the minus strand). VCF-style: chr6-56592353-A-G. GRCh37 (hg19) VCF-style: chr6-56457151-A-G.
Other names: c.6375T>C, p.Asn2125= (NM_001144769.5); c.5961T>C, p.Asn1987= (NM_001144770.2); c.12732T>C, p.Asn4244= (NM_001374722.1); c.12099T>C, p.Asn4033= (NM_001374729.1); c.5841T>C, p.Asn1947= (NM_001374730.1, NM_001386100.1, NM_183380.4); c.12759T>C, p.Asn4253= (NM_001374734.1); c.4863T>C, p.Asn1621= (NM_015548.5).
Identifiers: ClinVar variation 2028974 (VCV002028974.4), dbSNP rs2536124232, ClinGen allele CA450488734.

ClinVar aggregate classification (germline): Uncertain significance (1 of 4 stars; one submission).

Conditions:
Epidermolysis bullosa simplex 3, localized or generalized intermediate, with BP230 deficiency (EBS3). Also called: Epidermolysis bullosa simplex due to BP230 deficiency; Epidermolysis bullosa simplex, autosomal recessive 2. Identifiers: Orphanet 412181, MedGen C3809470, MONDO:0014180, OMIM 615425.
Hereditary sensory and autonomic neuropathy type 6. Also called: HSAN VI; Neuropathy, hereditary sensory and autonomic, type VI. Identifiers: Orphanet 314381, MedGen C3539003, MONDO:0013839, OMIM 614653.

Submission:

Labcorp Genetics (formerly Invitae), Labcorp
Classification: Uncertain significance for Epidermolysis bullosa simplex 3, localized or generalized intermediate, with BP230 deficiency; Hereditary sensory and autonomic neuropathy type 6. Last evaluated: 2022-09-04. Review status: criteria provided, single submitter. Criteria: Invitae Variant Classification Sherloc (09022015). Collection method: clinical testing. Allele origin: germline.
Comment: In summary, the available evidence is currently insufficient to determine the role of this variant in disease. Therefore, it has been classified as a Variant of Uncertain Significance. Experimental studies and prediction algorithms are not available or were not evaluated, and the effect of this variant on mRNA splicing is currently unknown. This variant has not been reported in the literature in individuals affected with DST-related conditions. This variant is not present in population databases (gnomAD no frequency). This sequence change affects codon 1621 of the DST mRNA. It is a 'silent' change, meaning that it does not change the encoded amino acid sequence of the DST protein. The DST gene has multiple clinically relevant transcripts. This variant occurs in alternate transcript NM_015548.4, and corresponds to NM_001723.5:c.*23164T>C in the primary transcript.